The following is an entry in ClinVar:

NM_001127208.3(TET2):c.442A>G (p.Lys148Glu)

Genes: TET2 (tet methylcytosine dioxygenase 2; plus strand), TET2-AS1 (TET2 antisense RNA 1; minus strand). Cytogenetic location: 4q24.
Variant type: single nucleotide variant.
Coding change: c.442A>G on transcript NM_001127208.3 (MANE Select); coding-DNA position 442, A replaced by G.
Protein change: p.Lys148Glu; replaces lysine 148 with glutamic acid.
Molecular consequence: missense variant.
Genome position (GRCh38, 1-based): chr4:105,234,384, A>G. VCF-style: chr4-105234384-A-G. GRCh37 (hg19) VCF-style: chr4-106155541-A-G.
Other names: c.442A>G, p.Lys148Glu (NM_017628.4); short protein forms K148E.
Identifiers: ClinVar variation 5030722 (VCV005030722.1).

ClinVar aggregate classification (germline): Uncertain significance (1 of 4 stars; one submission).

Submission:

Ambry Genetics
Classification: Uncertain significance. Last evaluated: 2026-07-23. Review status: criteria provided, single submitter. Criteria: Ambry Variant Classification Scheme 2023. Collection method: clinical testing. Allele origin: germline.
Comment: The p.K148E variant (also known as c.442A>G), located in coding exon 1 of the TET2 gene, results from an A to G substitution at nucleotide position 442. The lysine at codon 148 is replaced by glutamic acid, an amino acid with similar properties. This amino acid position is conserved. In addition, this alteration is predicted to be tolerated by in silico analysis. Based on the available evidence, the clinical significance of this variant remains unclear.